The following is an entry in ClinVar:

NM_001966.4(EHHADH):c.610C>T (p.Gln204Ter)

Gene: EHHADH (enoyl-CoA hydratase and 3-hydroxyacyl CoA dehydrogenase; minus strand). Cytogenetic location: 3q27.2.
Variant type: single nucleotide variant.
Coding change: c.610C>T on transcript NM_001966.4 (MANE Select); coding-DNA position 610, C replaced by T.
Protein change: p.Gln204Ter; replaces glutamine 204 with a stop codon.
Molecular consequence: nonsense.
Genome position (GRCh38, 1-based): chr3:185,204,716, G>A on the plus strand (C>T on the coding strand, the complement: EHHADH is on the minus strand). VCF-style: chr3-185204716-G-A. GRCh37 (hg19) VCF-style: chr3-184922504-G-A.
Other names: c.322C>T, p.Gln108Ter (NM_001166415.2); short protein forms Q204*, Q108*.
Identifiers: ClinVar variation 4982846 (VCV004982846.1).

ClinVar aggregate classification (germline): Uncertain significance (1 of 4 stars; one submission).

Conditions:
EHHADH-related disorder. Also called: EHHADH-related condition.

gnomAD v4.1: 7 of 1,613,554 alleles (0.00043%); highest among the groups gnomAD compares: African/African-American, 0.0013%; no homozygotes.

Submission:

PreventionGenetics, part of Exact Sciences
Classification: Uncertain significance for EHHADH-related condition. Last evaluated: 2024-11-15. Review status: criteria provided, single submitter. Criteria: ACMG Guidelines, 2015. Collection method: clinical testing. Allele origin: germline.
Comment: The EHHADH c.610C>T variant is predicted to result in premature protein termination (p.Gln204*). To our knowledge, this variant has not been reported in the literature or in a large population database (gnomAD), indicating this variant is rare. Loss of function has not been conclusively established as a mechanism for EHHADH-related disorders. At this time, the clinical significance of this variant is uncertain due to the absence of conclusive functional and genetic evidence.